The following is an entry in ClinVar:

NM_030780.5(SLC25A32):c.659C>T (p.Ala220Val)

Gene: SLC25A32 (solute carrier family 25 member 32; minus strand). Cytogenetic location: 8q22.3.
Variant type: single nucleotide variant.
Coding change: c.659C>T on transcript NM_030780.5 (MANE Select); coding-DNA position 659, C replaced by T.
Protein change: p.Ala220Val; replaces alanine 220 with valine.
Molecular consequence: missense variant. On other transcripts: non-coding transcript variant (2).
Genome position (GRCh38, 1-based): chr8:103,401,948, G>A on the plus strand (C>T on the coding strand, the complement: SLC25A32 is on the minus strand). VCF-style: chr8-103401948-G-A. GRCh37 (hg19) VCF-style: chr8-104414176-G-A.
Other names: short protein forms A220V.
Identifiers: ClinVar variation 2384480 (VCV002384480.3), dbSNP rs774713668, ClinGen allele CA4835417.

ClinVar aggregate classification (germline): Uncertain significance. Review status: criteria provided, multiple submitters, no conflicts (2 of 4 stars). 2 submissions from 2 submitters: Uncertain significance (2). Last evaluated 2025-09-01.

Allele frequency attached by ClinVar (database versions not stated): TOPMed below 0.00001; ExAC 0.00001; gnomAD 0.00001; gnomAD exomes 0.00002.
gnomAD v4.1: 30 of 1,605,564 alleles (0.0019%); highest among the groups gnomAD compares: Middle Eastern, 0.017%; no homozygotes.

Submissions (2):

Labcorp Genetics (formerly Invitae), Labcorp
Classification: Uncertain significance. Last evaluated: 2025-09-01. Review status: criteria provided, single submitter. Criteria: Invitae Variant Classification Sherloc (09022015). Collection method: clinical testing. Allele origin: germline.
Comment: This sequence change replaces alanine, which is neutral and non-polar, with valine, which is neutral and non-polar, at codon 220 of the SLC25A32 protein (p.Ala220Val). The frequency data for this variant in the population databases is considered unreliable, as metrics indicate poor data quality at this position in the gnomAD database. This variant has not been reported in the literature in individuals affected with SLC25A32-related conditions. ClinVar contains an entry for this variant (Variation ID: 2384480). Invitae Evidence Modeling of protein sequence and biophysical properties (such as structural, functional, and spatial information, amino acid conservation, physicochemical variation, residue mobility, and thermodynamic stability) indicates that this missense variant is not expected to disrupt SLC25A32 protein function with a negative predictive value of 80%. In summary, the available evidence is currently insufficient to determine the role of this variant in disease. Therefore, it has been classified as a Variant of Uncertain Significance.

Ambry Genetics
Classification: Uncertain significance. Last evaluated: 2022-04-25. Review status: criteria provided, single submitter. Criteria: Ambry Variant Classification Scheme 2023. Collection method: clinical testing. Allele origin: germline.